The following is an entry in ClinVar:

NM_000038.6(APC):c.7241T>A (p.Val2414Glu)

Gene: APC (APC regulator of Wnt signaling pathway; plus strand). Cytogenetic location: 5q22.2.
Variant type: single nucleotide variant.
Coding change: c.7241T>A on transcript NM_000038.6 (MANE Select); coding-DNA position 7241, T replaced by A.
Protein change: p.Val2414Glu; replaces valine 2414 with glutamic acid.
Molecular consequence: missense variant. On other transcripts: non-coding transcript variant (2).
Genome position (GRCh38, 1-based): chr5:112,842,835, T>A. VCF-style: chr5-112842835-T-A. GRCh37 (hg19) VCF-style: chr5-112178532-T-A.
Other names: c.7325T>A, p.Val2442Glu (NM_001407446.1); c.7295T>A, p.Val2432Glu (NM_001407447.1, NM_001407448.1, NM_001407449.1 and 1 more transcripts); c.7241T>A, p.Val2414Glu (NM_001407450.1, NM_001127510.3, NM_001354895.2); c.7220T>A, p.Val2407Glu (NM_001407451.1); c.7211T>A, p.Val2404Glu (NM_001407452.1); c.7064T>A, p.Val2355Glu (NM_001407453.1, NM_001354901.2); c.6992T>A, p.Val2331Glu (NM_001407454.1, NM_001407455.1, NM_001407456.1 and 1 more transcripts); c.6938T>A, p.Val2313Glu (NM_001407458.1, NM_001407459.1, NM_001407460.1 and 1 more transcripts); and 11 more; short protein forms V2254E, V2331E, V2355E, V2407E, V2424E, V2442E, V2030E, V2323E.
Identifiers: ClinVar variation 4121634 (VCV004121634.1).

ClinVar aggregate classification (germline): Uncertain significance (1 of 4 stars; one submission).

Conditions:
Hereditary cancer-predisposing syndrome. Also called: Hereditary neoplastic syndrome; Neoplastic Syndromes, Hereditary; Tumor predisposition; Hereditary Cancer Syndrome. Identifiers: Orphanet 140162, MedGen C0027672, MeSH D009386, MONDO:0015356.

Submission:

Ambry Genetics
Classification: Uncertain significance for Hereditary cancer-predisposing syndrome. Last evaluated: 2025-08-24. Review status: criteria provided, single submitter. Criteria: Ambry Variant Classification Scheme 2023. Collection method: clinical testing. Allele origin: germline.
Comment: The p.V2414E variant (also known as c.7241T>A), located in coding exon 15 of the APC gene, results from a T to A substitution at nucleotide position 7241. The valine at codon 2414 is replaced by glutamic acid, an amino acid with dissimilar properties. This amino acid position is conserved. In addition, in silico predictors for this gene do not accurately predict pathogenicity. Based on the available evidence, the clinical significance of this variant remains unclear.